The following is an entry in ClinVar:

NM_003676.4(DEGS1):c.950A>C (p.Lys317Thr)

Gene: DEGS1 (delta 4-desaturase, sphingolipid 1; plus strand). Cytogenetic location: 1q42.11.
Variant type: single nucleotide variant.
Coding change: c.950A>C on transcript NM_003676.4 (MANE Select); coding-DNA position 950, A replaced by C.
Protein change: p.Lys317Thr; replaces lysine 317 with threonine.
Molecular consequence: missense variant. On other transcripts: 3 prime UTR variant (1).
Genome position (GRCh38, 1-based): chr1:224,192,456, A>C. VCF-style: chr1-224192456-A-C. GRCh37 (hg19) VCF-style: chr1-224380158-A-C.
Other names: c.*148A>C (NM_001321541.2); c.842A>C, p.Lys281Thr (NM_001321542.2); c.950A>C (NM_003676.2); short protein forms K281T, K317T.
Identifiers: ClinVar variation 1356802 (VCV001356802.7), dbSNP rs765444071, ClinGen allele CA1413725.

ClinVar aggregate classification (germline): Uncertain significance. Review status: criteria provided, multiple submitters, no conflicts (2 of 4 stars). 2 submissions from 2 submitters: Uncertain significance (2). Last evaluated 2024-06-17.

Conditions:
Inborn genetic diseases. Identifiers: MedGen C0950123, MeSH D030342.

Allele frequency attached by ClinVar (database versions not stated): gnomAD exomes 0.00001 and 0.00002; ExAC 0.00002.

Submissions (2):

Ambry Genetics
Classification: Uncertain significance for Inborn genetic diseases. Last evaluated: 2024-06-17. Review status: criteria provided, single submitter. Criteria: Ambry Variant Classification Scheme 2023. Collection method: clinical testing. Allele origin: germline.

Labcorp Genetics (formerly Invitae), Labcorp
Classification: Uncertain significance. Last evaluated: 2022-03-08. Review status: criteria provided, single submitter. Criteria: Invitae Variant Classification Sherloc (09022015). Collection method: clinical testing. Allele origin: germline.
Comment: In summary, the available evidence is currently insufficient to determine the role of this variant in disease. Therefore, it has been classified as a Variant of Uncertain Significance. Algorithms developed to predict the effect of missense changes on protein structure and function output the following: SIFT: "Tolerated"; PolyPhen-2: "Benign"; Align-GVGD: "Class C0". The threonine amino acid residue is found in multiple mammalian species, which suggests that this missense change does not adversely affect protein function. This variant has not been reported in the literature in individuals affected with DEGS1-related conditions. This variant is present in population databases (rs765444071, gnomAD 0.01%). This sequence change replaces lysine, which is basic and polar, with threonine, which is neutral and polar, at codon 317 of the DEGS1 protein (p.Lys317Thr).